The following is an entry in ClinVar:

NM_001378120.1(MBD5):c.2483T>C (p.Ile828Thr)

Gene: MBD5 (methyl-CpG binding domain protein 5; plus strand). Cytogenetic location: 2q23.1.
Variant type: single nucleotide variant.
Coding change: c.2483T>C on transcript NM_001378120.1 (MANE Select); coding-DNA position 2483, T replaced by C.
Protein change: p.Ile828Thr; replaces isoleucine 828 with threonine.
Molecular consequence: missense variant.
Genome position (GRCh38, 1-based): chr2:148,470,426, T>C. VCF-style: chr2-148470426-T-C. GRCh37 (hg19) VCF-style: chr2-149227995-T-C.
Other names: c.2483T>C, p.Ile828Thr (NM_018328.5); short protein forms I828T.
Identifiers: ClinVar variation 3342950 (VCV003342950.1).

ClinVar aggregate classification (germline): Uncertain significance (1 of 4 stars; one submission).

Submission:

GeneDx
Classification: Uncertain significance. Last evaluated: 2023-04-03. Review status: criteria provided, single submitter. Criteria: GeneDx Variant Classification Process June 2021. Collection method: clinical testing. Allele origin: germline. Affected: yes.
Comment: Not observed at significant frequency in large population cohorts (gnomAD); In silico analysis supports that this missense variant does not alter protein structure/function; Has not been previously published as pathogenic or benign to our knowledge